The following is an entry in ClinVar:

NM_001352514.2(HLCS):c.2339C>T (p.Ala780Val)

Gene: HLCS (holocarboxylase synthetase; minus strand). Cytogenetic location: 21q22.13.
Variant type: single nucleotide variant.
Coding change: c.2339C>T on transcript NM_001352514.2 (MANE Select); coding-DNA position 2339, C replaced by T.
Protein change: p.Ala780Val; replaces alanine 780 with valine.
Molecular consequence: missense variant. On other transcripts: non-coding transcript variant (2).
Genome position (GRCh38, 1-based): chr21:36,756,653, G>A on the plus strand (C>T on the coding strand, the complement: HLCS is on the minus strand). VCF-style: chr21-36756653-G-A. GRCh37 (hg19) VCF-style: chr21-38128954-G-A.
Other names: c.1898C>T, p.Ala633Val (NM_000411.8, NM_001242784.3, NM_001242785.2 and 4 more transcripts); short protein forms A780V, A633V.
Identifiers: ClinVar variation 1482150 (VCV001482150.8), dbSNP rs763760775, ClinGen allele CA10020291.

ClinVar aggregate classification (germline): Uncertain significance (1 of 4 stars; one submission).

Conditions:
Holocarboxylase synthetase deficiency. Also called: MULTIPLE CARBOXYLASE DEFICIENCY, EARLY ONSET. Identifiers: Orphanet 79242, MedGen C0268581, MONDO:0009666, OMIM 253270.

Allele frequency attached by ClinVar (database versions not stated): gnomAD exomes below 0.00001 and 0.00001; TOPMed below 0.00001; gnomAD 0.00001; ExAC 0.00002.
gnomAD v4.1: 4 of 1,613,942 alleles (0.00025%); highest among the groups gnomAD compares: Non-Finnish European, 0.00034%; no homozygotes.

Submission:

Labcorp Genetics (formerly Invitae), Labcorp
Classification: Uncertain significance for Holocarboxylase synthetase deficiency. Last evaluated: 2021-04-27. Review status: criteria provided, single submitter. Criteria: Invitae Variant Classification Sherloc (09022015). Collection method: clinical testing. Allele origin: germline.
Comment: This variant is present in population databases (rs763760775, ExAC 0.003%). This variant has not been reported in the literature in individuals with HLCS-related conditions. Advanced modeling of protein sequence and biophysical properties (such as structural, functional, and spatial information, amino acid conservation, physicochemical variation, residue mobility, and thermodynamic stability) performed at Invitae indicates that this missense variant is not expected to disrupt HLCS protein function. In summary, the available evidence is currently insufficient to determine the role of this variant in disease. Therefore, it has been classified as a Variant of Uncertain Significance. This sequence change replaces alanine with valine at codon 633 of the HLCS protein (p.Ala633Val). The alanine residue is moderately conserved and there is a small physicochemical difference between alanine and valine.